The following is an entry in ClinVar:

NM_004408.4(DNM1):c.629T>G (p.Met210Arg)

Gene: DNM1 (dynamin 1; plus strand). Cytogenetic location: 9q34.11.
Variant type: single nucleotide variant.
Coding change: c.629T>G on transcript NM_004408.4 (MANE Select); coding-DNA position 629, T replaced by G.
Protein change: p.Met210Arg; replaces methionine 210 with arginine.
Molecular consequence: missense variant.
Genome position (GRCh38, 1-based): chr9:128,220,027, T>G. VCF-style: chr9-128220027-T-G. GRCh37 (hg19) VCF-style: chr9-130982306-T-G.
Other names: c.629T>G, p.Met210Arg (NM_001005336.3, NM_001288737.2, NM_001288738.2 and 2 more transcripts); short protein forms M210R.
Identifiers: ClinVar variation 3841692 (VCV003841692.1).
Genomic context (GRCh38, chr9:128,220,027, plus strand): 5'-CCCTCCTGCTGGTGCACCCAGGCCAGCGCACCATCGGGGTCATCACCAAGCTGGACCTGA[T>G]GGACGAGGGCACAGATGCCCGTGATGTGCTGGAGAACAAGCTGCTCCCCCTGCGCAGAGG-3'
Protein context (NP_004399.2, residues 200-220): TIGVITKLDL[Met210Arg]DEGTDARDVL

ClinVar aggregate classification (germline): Uncertain significance (1 of 4 stars; one submission).

Conditions:
Inborn genetic diseases. Identifiers: MedGen C0950123, MeSH D030342.

Submission:

Ambry Genetics
Classification: Uncertain significance for Inborn genetic diseases. Last evaluated: 2025-02-13. Review status: criteria provided, single submitter. Criteria: Ambry Variant Classification Scheme 2023. Collection method: clinical testing. Allele origin: germline.
Comment: The c.629T>G (p.M210R) alteration is located in exon 5 (coding exon 5) of the DNM1 gene. This alteration results from a T to G substitution at nucleotide position 629, causing the methionine (M) at amino acid position 210 to be replaced by an arginine (R). This variant was not reported in population-based cohorts in the Genome Aggregation Database (gnomAD). This amino acid position is highly conserved in available vertebrate species. This missense alteration is located in a region that has a low rate of benign missense variation (Lek, 2016; Firth, 2009). This alteration is predicted to be deleterious by in silico analysis. Based on insufficient or conflicting evidence, the clinical significance of this alteration remains unclear.